The following is an entry in ClinVar:

ClinVar aggregate classification (germline): Uncertain significance (1 of 4 stars; one submission).

Conditions:
Polycystic kidney disease 3 with or without polycystic liver disease. Also called: POLYCYSTIC KIDNEY DISEASE, ADULT, TYPE III; Polycystic kidney disease 3; Polycystic Kidney and/or Polycystic Liver Disease 3. Identifiers: MedGen C3887964, MONDO:0010916, OMIM 600666.

Submission:

Juno Genomics, Hangzhou Juno Genomics, Inc
Classification: Uncertain significance for Polycystic kidney disease 3 with or without polycystic liver disease. Review status: criteria provided, single submitter. Criteria: ACMG Guidelines, 2015. Collection method: clinical testing. Allele origin: germline. Affected: yes.
Comment: Absent from controls (or at extremely low frequency if recessive) in Genome Aggregation Database, Exome Sequencing Project, 1000 Genomes Project, or Exome Aggregation Consortium.;Multiple lines of computational evidence support a deleterious effect on the gene or gene product (conservation, evolutionary, splicing impact, etc).

NM_198334.3(GANAB):c.299G>A (p.Arg100Gln)

Gene: GANAB (glucosidase II alpha subunit; minus strand). Cytogenetic location: 11q12.3.
Variant type: single nucleotide variant.
Coding change: c.299G>A on transcript NM_198334.3 (MANE Select); coding-DNA position 299, G replaced by A.
Protein change: p.Arg100Gln; replaces arginine 100 with glutamine.
Molecular consequence: missense variant. On other transcripts: 5 prime UTR variant (2), intron variant (2).
Genome position (GRCh38, 1-based): chr11:62,639,064, C>T on the plus strand (G>A on the coding strand, the complement: GANAB is on the minus strand). VCF-style: chr11-62639064-C-T. GRCh37 (hg19) VCF-style: chr11-62406536-C-T.
Other names: c.8G>A, p.Arg3Gln (NM_001278194.2, NM_001329222.2, NM_001329223.2); c.-478G>A (NM_001329224.2, NM_001329225.2); c.299G>A, p.Arg100Gln (NM_198335.4); c.39-4064G>A (NM_001278193.2, NM_001278192.2); short protein forms R100Q, R3Q.
Identifiers: ClinVar variation 3382326 (VCV003382326.2).